The following is an entry in ClinVar:

ClinVar aggregate classification (germline): Likely benign (0 of 4 stars; one submission).

Conditions:
HLTF-related disorder. Also called: HLTF-related condition.

Allele frequency attached by ClinVar (database versions not stated): TOPMed 0.00001; gnomAD 0.00003; gnomAD exomes 0.00010; ExAC 0.00034.
gnomAD v4.1: 135 of 1,557,746 alleles (0.0087%); highest among the groups gnomAD compares: South Asian, 0.16%; 1 homozygote.

Submission:

PreventionGenetics, part of Exact Sciences
Classification: Likely benign for HLTF-related condition. Last evaluated: 2020-12-22. Review status: no assertion criteria provided. Collection method: clinical testing. Allele origin: germline.
Comment: This variant is classified as likely benign based on ACMG/AMP sequence variant interpretation guidelines (Richards et al. 2015 PMID: 25741868, with internal and published modifications).

NM_003071.4(HLTF):c.2511G>A (p.Ala837=)

Gene: HLTF (helicase like transcription factor; minus strand). Cytogenetic location: 3q24.
Variant type: single nucleotide variant.
Coding change: c.2511G>A on transcript NM_003071.4 (MANE Select); coding-DNA position 2511, G replaced by A.
Protein change: p.Ala837=; no amino-acid change (alanine 837 retained).
Molecular consequence: synonymous variant.
Genome position (GRCh38, 1-based): chr3:149,039,685, C>T on the plus strand (G>A on the coding strand, the complement: HLTF is on the minus strand). VCF-style: chr3-149039685-C-T. GRCh37 (hg19) VCF-style: chr3-148757472-C-T.
Other names: c.2508G>A, p.Ala836= (NM_001318934.2); c.2511G>A, p.Ala837= (NM_001318935.2, NM_139048.3).
Identifiers: ClinVar variation 3030640 (VCV003030640.2), dbSNP rs770846399, ClinGen allele CA2658901.
Genomic context (GRCh38, chr3:149,039,685, plus strand): 5'-AACAACCAAACTTTTTATGTTGGGATTCTTCTTTCTTAAGTCAGTCAATGCGTGCATTAG[C>T]GCATTAATCTGCAAAAAATATTAAGATGTCCATTAGATTCCATTTTAAATCAGTAAAATT-3'
Protein context (NP_003062.2, residues 827-847): MEWTSSSKIN[Ala837=]LMHALTDLRK